The following is an entry in ClinVar:

NM_014874.4(MFN2):c.1393-8G>A

Gene: MFN2 (mitofusin 2; plus strand). Cytogenetic location: 1p36.22.
Variant type: single nucleotide variant.
Coding change: c.1393-8G>A on transcript NM_014874.4 (MANE Select); 8 bases into the intron before coding-DNA position 1393, G replaced by A.
Molecular consequence: intron variant.
Genome position (GRCh38, 1-based): chr1:12,004,817, G>A. VCF-style: chr1-12004817-G-A. GRCh37 (hg19) VCF-style: chr1-12064874-G-A.
Other names: c.1393-8G>A (NM_001127660.2).
Identifiers: ClinVar variation 917370 (VCV000917370.2), dbSNP rs1639330742, ClinGen allele CA1139655973.
Genomic context (GRCh38, chr1:12,004,817, plus strand): 5'-CTGGTGGATGTGGCCTGAAGGGAATTTTGATGGACATGCTTCTCTTAACTTCCCTCTTCT[G>A]GTGGCAGGAGCTGCACCGCCACATAGAGGAAGGACTGGGTCGAAACATGTCTGACCGCTG-3'

ClinVar aggregate classification (germline): Uncertain significance. Review status: criteria provided, multiple submitters, no conflicts (2 of 4 stars). 2 submissions from 2 submitters: Uncertain significance (2). Last evaluated 2025-04-01.

Conditions:
Charcot-Marie-Tooth disease. Also called: Charcot-Marie-Tooth Hereditary Neuropathy; Charcot-Marie-Tooth Neuropathy. Identifiers: Orphanet 166, MedGen C0007959, MONDO:0015626.

gnomAD v4.1: 3 of 1,612,422 alleles (0.00019%); highest among the groups gnomAD compares: Non-Finnish European, 0.00025%; no homozygotes.

Submissions (2):

Athena Diagnostics
Classification: Uncertain significance. Last evaluated: 2025-04-01. Review status: criteria provided, single submitter. Criteria: Athena Diagnostics Criteria. Collection method: clinical testing. Allele origin: unknown.
Comment: Available data are insufficient to determine the clinical significance of the variant at this time. This variant has not been reported in large, multi-ethnic general populations. This variant has been identified in at least one individual with clinical features associated with this gene. Computational tools yielded predictions that this variant may interfere with normal RNA splicing.

Molecular Genetics Laboratory, London Health Sciences Centre
Classification: Uncertain significance for Charcot-Marie-Tooth disease. Review status: criteria provided, single submitter. Criteria: ACMG Guidelines, 2015. Collection method: clinical testing. Allele origin: germline. Affected: yes.

Literature cited by the submitters: PubMed 32376792 (cited by Athena Diagnostics).